The following is an entry in ClinVar:

ClinVar aggregate classification (germline): Uncertain significance (1 of 4 stars; one submission).

Conditions:
Familial cancer of breast. Also called: hereditary breast carcinoma; BREAST CANCER, FAMILIAL; Hereditary breast cancer. Identifiers: Orphanet 227535, MedGen C0346153, MONDO:0016419, OMIM 114480. Disease mechanism: loss of function.

Submission:

Labcorp Genetics (formerly Invitae), Labcorp
Classification: Uncertain significance for Familial cancer of breast. Last evaluated: 2022-09-07. Review status: criteria provided, single submitter. Criteria: Invitae Variant Classification Sherloc (09022015). Collection method: clinical testing. Allele origin: germline.
Comment: In summary, the available evidence is currently insufficient to determine the role of this variant in disease. Therefore, it has been classified as a Variant of Uncertain Significance. Algorithms developed to predict the effect of missense changes on protein structure and function output the following: SIFT: "Tolerated"; PolyPhen-2: "Benign"; Align-GVGD: "Class C0". The serine amino acid residue is found in multiple mammalian species, which suggests that this missense change does not adversely affect protein function. This variant has not been reported in the literature in individuals affected with CHEK2-related conditions. This variant is not present in population databases (gnomAD no frequency). This sequence change replaces alanine, which is neutral and non-polar, with serine, which is neutral and polar, at codon 261 of the CHEK2 protein (p.Ala261Ser).

NM_007194.4(CHEK2):c.781G>T (p.Ala261Ser)

Gene: CHEK2 (checkpoint kinase 2; minus strand). Cytogenetic location: 22q12.1.
Variant type: single nucleotide variant.
Coding change: c.781G>T on transcript NM_007194.4 (MANE Select); coding-DNA position 781, G replaced by T.
Protein change: p.Ala261Ser; replaces alanine 261 with serine.
Molecular consequence: missense variant.
Genome position (GRCh38, 1-based): chr22:28,711,920, C>A on the plus strand (G>T on the coding strand, the complement: CHEK2 is on the minus strand). VCF-style: chr22-28711920-C-A. GRCh37 (hg19) VCF-style: chr22-29107908-C-A.
Other names: c.910G>T, p.Ala304Ser (NM_001005735.3); c.118G>T, p.Ala40Ser (NM_001257387.3); c.580G>T, p.Ala194Ser (NM_001349956.3); c.781G>T, p.Ala261Ser (NM_145862.3); short protein forms A194S, A261S, A304S, A40S.
Identifiers: ClinVar variation 2029497 (VCV002029497.4), dbSNP rs2517959807, ClinGen allele CA411103072.